The following is an entry in ClinVar:

ClinVar aggregate classification (germline): Uncertain significance (1 of 4 stars; one submission).

gnomAD v4.1: 7 of 1,614,196 alleles (0.00043%); highest among the groups gnomAD compares: Non-Finnish European, 0.00051%; no homozygotes.

Submission:

Labcorp Genetics (formerly Invitae), Labcorp
Classification: Uncertain significance. Last evaluated: 2024-02-23. Review status: criteria provided, single submitter. Criteria: Invitae Variant Classification Sherloc (09022015). Collection method: clinical testing. Allele origin: germline.
Comment: This sequence change replaces isoleucine, which is neutral and non-polar, with valine, which is neutral and non-polar, at codon 930 of the MERTK protein (p.Ile930Val). This variant is present in population databases (no rsID available, gnomAD 0.0009%). This variant has not been reported in the literature in individuals affected with MERTK-related conditions. ClinVar contains an entry for this variant (Variation ID: 2419550). Advanced modeling of protein sequence and biophysical properties (such as structural, functional, and spatial information, amino acid conservation, physicochemical variation, residue mobility, and thermodynamic stability) performed at Invitae indicates that this missense variant is not expected to disrupt MERTK protein function with a negative predictive value of 80%. Algorithms developed to predict the effect of sequence changes on RNA splicing suggest that this variant may create or strengthen a splice site. In summary, the available evidence is currently insufficient to determine the role of this variant in disease. Therefore, it has been classified as a Variant of Uncertain Significance.

NM_006343.3(MERTK):c.2788A>G (p.Ile930Val)

Gene: MERTK (MER proto-oncogene, tyrosine kinase; plus strand). Cytogenetic location: 2q13.
Variant type: single nucleotide variant.
Coding change: c.2788A>G on transcript NM_006343.3 (MANE Select); coding-DNA position 2788, A replaced by G.
Protein change: p.Ile930Val; replaces isoleucine 930 with valine.
Molecular consequence: missense variant.
Genome position (GRCh38, 1-based): chr2:112,028,652, A>G. VCF-style: chr2-112028652-A-G. GRCh37 (hg19) VCF-style: chr2-112786229-A-G.
Other names: short protein forms I930V.
Identifiers: ClinVar variation 2419550 (VCV002419550.6), dbSNP rs375163842, ClinGen allele CA348244066.
Genomic context (GRCh38, chr2:112,028,652, plus strand): 5'-GCTGCCATCAGTGTGGTCACAGCAGAAGTTCATGACAGCAAACCTCATGAAGGACGGTAC[A>G]TCCTGAATGGGGGCAGTGAGGAATGGGAAGATCTGACTTCTGCCCCCTCTGCTGCAGTCA-3'
Protein context (NP_006334.2, residues 920-940): HDSKPHEGRY[Ile930Val]LNGGSEEWED